The following is an entry in ClinVar:

NM_014633.5(CTR9):c.592+2T>C

Gene: CTR9 (CTR9 homolog, Paf1/RNA polymerase II complex component; plus strand). Cytogenetic location: 11p15.4.
Variant type: single nucleotide variant.
Coding change: c.592+2T>C on transcript NM_014633.5 (MANE Select); the canonical splice donor site of the intron after coding-DNA position 592, T replaced by C.
Molecular consequence: splice donor variant.
Genome position (GRCh38, 1-based): chr11:10,756,840, T>C. VCF-style: chr11-10756840-T-C. GRCh37 (hg19) VCF-style: chr11-10778387-T-C.
Other names: c.592+2T>C (NM_001346279.2).
Identifiers: ClinVar variation 2722507 (VCV002722507.1), dbSNP rs757940976, ClinGen allele CA5884894.

ClinVar aggregate classification (germline): Uncertain significance (1 of 4 stars; one submission).

Allele frequency attached by ClinVar (database versions not stated): gnomAD exomes 0.00001; ExAC 0.00002; gnomAD 0.00002; TOPMed 0.00002.
gnomAD v4.1: 12 of 1,605,410 alleles (0.00075%); highest among the groups gnomAD compares: Admixed American, 0.018%; no homozygotes.

Submission:

Labcorp Genetics (formerly Invitae), Labcorp
Classification: Uncertain significance. Last evaluated: 2024-01-10. Review status: criteria provided, single submitter. Criteria: Invitae Variant Classification Sherloc (09022015). Collection method: clinical testing. Allele origin: germline.
Comment: This sequence change affects a donor splice site in intron 5 of the CTR9 gene. It is expected to disrupt RNA splicing. Variants that disrupt the donor or acceptor splice site typically lead to a loss of protein function (PMID: 16199547), however the current clinical and genetic evidence is not sufficient to establish whether loss-of-function variants in CTR9 cause disease. This variant is present in population databases (rs757940976, gnomAD 0.03%). This variant has not been reported in the literature in individuals affected with CTR9-related conditions. Algorithms developed to predict the effect of sequence changes on RNA splicing suggest that this variant may disrupt the consensus splice site. In summary, the available evidence is currently insufficient to determine the role of this variant in disease. Therefore, it has been classified as a Variant of Uncertain Significance.

Literature cited by the submitters: PubMed 16199547.